The following is an entry in ClinVar:

NM_022051.3(EGLN1):c.250C>T (p.Pro84Ser)

Gene: EGLN1 (egl-9 family hypoxia inducible factor 1; minus strand). Cytogenetic location: 1q42.2.
Variant type: single nucleotide variant.
Coding change: c.250C>T on transcript NM_022051.3 (MANE Select); coding-DNA position 250, C replaced by T.
Protein change: p.Pro84Ser; replaces proline 84 with serine.
Molecular consequence: missense variant.
Genome position (GRCh38, 1-based): chr1:231,421,639, G>A on the plus strand (C>T on the coding strand, the complement: EGLN1 is on the minus strand). VCF-style: chr1-231421639-G-A. GRCh37 (hg19) VCF-style: chr1-231557385-G-A.
Other names: c.250C>T, p.Pro84Ser (NM_001377260.1, NM_001377261.1); short protein forms P84S.
Identifiers: ClinVar variation 2497590 (VCV002497590.3), dbSNP rs1403585153, ClinGen allele CA345238278.

ClinVar aggregate classification (germline): Uncertain significance (1 of 4 stars; one submission).

Allele frequency attached by ClinVar (database versions not stated): TOPMed below 0.00001; gnomAD exomes 0.00001; gnomAD 0.00002.

Submission:

Ambry Genetics
Classification: Uncertain significance. Last evaluated: 2025-06-07. Review status: criteria provided, single submitter. Criteria: Ambry Variant Classification Scheme 2023. Collection method: clinical testing. Allele origin: germline.
Comment: The p.P84S variant (also known as c.250C>T), located in coding exon 1 of the EGLN1 gene, results from a C to T substitution at nucleotide position 250. The proline at codon 84 is replaced by serine, an amino acid with similar properties. This amino acid position is conserved. In addition, this alteration is predicted to be tolerated by in silico analysis. Since supporting evidence is limited at this time, the clinical significance of this alteration remains unclear.